The following is an entry in ClinVar:

NM_000098.3(CPT2):c.1897G>A (p.Ala633Thr)

Gene: CPT2 (carnitine palmitoyltransferase 2; plus strand). Cytogenetic location: 1p32.3.
Variant type: single nucleotide variant.
Coding change: c.1897G>A on transcript NM_000098.3 (MANE Select); coding-DNA position 1897, G replaced by A.
Protein change: p.Ala633Thr; replaces alanine 633 with threonine.
Molecular consequence: missense variant.
Genome position (GRCh38, 1-based): chr1:53,213,515, G>A. VCF-style: chr1-53213515-G-A. GRCh37 (hg19) VCF-style: chr1-53679187-G-A.
Other names: c.1828G>A, p.Ala610Thr (NM_001330589.2); short protein forms A610T, A633T.
Identifiers: ClinVar variation 2200933 (VCV002200933.1), dbSNP rs141903761, ClinGen allele CA859310.

ClinVar aggregate classification (germline): Uncertain significance (1 of 4 stars; one submission).

Conditions:
Carnitine palmitoyltransferase II deficiency. Also called: Carnitine Palmitoyltransferase 2 Deficiency. Identifiers: Orphanet 157, MedGen C0342790, MONDO:0015515.

Submission:

Labcorp Genetics (formerly Invitae), Labcorp
Classification: Uncertain significance for Carnitine palmitoyltransferase II deficiency. Last evaluated: 2022-06-20. Review status: criteria provided, single submitter. Criteria: Invitae Variant Classification Sherloc (09022015). Collection method: clinical testing. Allele origin: germline.
Comment: This sequence change replaces alanine, which is neutral and non-polar, with threonine, which is neutral and polar, at codon 633 of the CPT2 protein (p.Ala633Thr). This variant is present in population databases (rs141903761, gnomAD 0.006%). This variant has not been reported in the literature in individuals affected with CPT2-related conditions. Advanced modeling of protein sequence and biophysical properties (such as structural, functional, and spatial information, amino acid conservation, physicochemical variation, residue mobility, and thermodynamic stability) performed at Invitae indicates that this missense variant is not expected to disrupt CPT2 protein function. In summary, the available evidence is currently insufficient to determine the role of this variant in disease. Therefore, it has been classified as a Variant of Uncertain Significance.